The following is an entry in ClinVar:

ClinVar aggregate classification (germline): Uncertain significance (1 of 4 stars; one submission).

Conditions:
FGFR2-related craniosynostosis. Identifiers: MedGen CN231480.

Allele frequency attached by ClinVar (database versions not stated): gnomAD exomes below 0.00001.
gnomAD v4.1: 1 of 1,614,244 alleles (0.000062%); highest among the groups gnomAD compares: Admixed American, 0.0017%; no homozygotes.

Submission:

Labcorp Genetics (formerly Invitae), Labcorp
Classification: Uncertain significance for FGFR2-related craniosynostosis. Last evaluated: 2022-12-17. Review status: criteria provided, single submitter. Criteria: Invitae Variant Classification Sherloc (09022015). Collection method: clinical testing. Allele origin: germline.
Comment: This sequence change replaces glutamic acid, which is acidic and polar, with glutamine, which is neutral and polar, at codon 275 of the FGFR2 protein (p.Glu275Gln). This variant is present in population databases (no rsID available, gnomAD 0.003%). This variant has not been reported in the literature in individuals affected with FGFR2-related conditions. ClinVar contains an entry for this variant (Variation ID: 478047). Advanced modeling of protein sequence and biophysical properties (such as structural, functional, and spatial information, amino acid conservation, physicochemical variation, residue mobility, and thermodynamic stability) performed at Invitae indicates that this missense variant is expected to disrupt FGFR2 protein function. In summary, the available evidence is currently insufficient to determine the role of this variant in disease. Therefore, it has been classified as a Variant of Uncertain Significance.

NM_000141.5(FGFR2):c.823G>C (p.Glu275Gln)

Gene: FGFR2 (fibroblast growth factor receptor 2; minus strand). Cytogenetic location: 10q26.13.
Variant type: single nucleotide variant.
Coding change: c.823G>C on transcript NM_000141.5 (MANE Select); coding-DNA position 823, G replaced by C.
Protein change: p.Glu275Gln; replaces glutamic acid 275 with glutamine.
Molecular consequence: missense variant. On other transcripts: non-coding transcript variant (1), intron variant (1).
Genome position (GRCh38, 1-based): chr10:121,520,095, C>G on the plus strand (G>C on the coding strand, the complement: FGFR2 is on the minus strand). VCF-style: chr10-121520095-C-G. GRCh37 (hg19) VCF-style: chr10-123279609-C-G.
Other names: c.823G>C, p.Glu275Gln (NM_001144913.1, NM_001144917.2, NM_001320658.2 and 1 more transcripts); c.556G>C, p.Glu186Gln (NM_001144915.2, NM_001144919.2, NM_023029.3); c.478G>C, p.Glu160Gln (NM_001144916.2, NM_001144918.2); c.139G>C, p.Glu47Gln (NM_001320654.2); c.749-4776G>C (NM_001144914.1); short protein forms E275Q, E47Q, E160Q, E186Q.
Identifiers: ClinVar variation 478047 (VCV000478047.7), dbSNP rs1258584689, ClinGen allele CA378330928.
Genomic context (GRCh38, chr10:121,520,095, plus strand): 5'-CCACGTGCTTGATCCACTGGATGTGGGGCTGGGCATCACTGTAAACCTTGCAGACAAACT[C>G]TACGTCTCCTCCGACCACTGTGGAGGCATTTGCCGGCAGTCCGGCTTGGAGGATGGGCCG-3'
Protein context (NP_000132.3, residues 265-285): NASTVVGGDV[Glu275Gln]FVCKVYSDAQ